The following is an entry in ClinVar:

NM_173354.5(SIK1):c.1580A>C (p.Gln527Pro)

Gene: SIK1 (salt inducible kinase 1; minus strand). Cytogenetic location: 21q22.3.
Variant type: single nucleotide variant.
Coding change: c.1580A>C on transcript NM_173354.5 (MANE Select); coding-DNA position 1580, A replaced by C.
Protein change: p.Gln527Pro; replaces glutamine 527 with proline.
Molecular consequence: missense variant.
Genome position (GRCh38, 1-based): chr21:43,418,424, T>G on the plus strand (A>C on the coding strand, the complement: SIK1 is on the minus strand). VCF-style: chr21-43418424-T-G. GRCh37 (hg19) VCF-style: chr21-44838304-T-G.
Other names: short protein forms Q527P.
Identifiers: ClinVar variation 2786278 (VCV002786278.3), dbSNP rs760832170, ClinGen allele CA321325430.

ClinVar aggregate classification (germline): Uncertain significance (1 of 4 stars; one submission).

Conditions:
Developmental and epileptic encephalopathy, 30 (DEE30). Also called: Epileptic encephalopathy, early infantile, 30. Identifiers: MedGen C4225360, MONDO:0014595, OMIM 616341.

Allele frequency attached by ClinVar (database versions not stated): ExAC 0.00002.

Submission:

Labcorp Genetics (formerly Invitae), Labcorp
Classification: Uncertain significance for Developmental and epileptic encephalopathy, 30. Last evaluated: 2023-09-22. Review status: criteria provided, single submitter. Criteria: Invitae Variant Classification Sherloc (09022015). Collection method: clinical testing. Allele origin: germline.
Comment: This sequence change replaces glutamine, which is neutral and polar, with proline, which is neutral and non-polar, at codon 527 of the SIK1 protein (p.Gln527Pro). This variant is present in population databases (rs760832170, gnomAD 0.002%). This variant has not been reported in the literature in individuals affected with SIK1-related conditions. Advanced modeling of protein sequence and biophysical properties (such as structural, functional, and spatial information, amino acid conservation, physicochemical variation, residue mobility, and thermodynamic stability) performed at Invitae indicates that this missense variant is not expected to disrupt SIK1 protein function. In summary, the available evidence is currently insufficient to determine the role of this variant in disease. Therefore, it has been classified as a Variant of Uncertain Significance.